The following is an entry in ClinVar:

ClinVar aggregate classification (germline): Uncertain significance. Review status: criteria provided, multiple submitters, no conflicts (2 of 4 stars). 2 submissions from 2 submitters: Uncertain significance (2). Last evaluated 2024-10-08.

Submissions (2):

GeneDx
Classification: Uncertain significance. Last evaluated: 2024-10-08. Review status: criteria provided, single submitter. Criteria: GeneDx Variant Classification Process June 2021. Collection method: clinical testing. Allele origin: germline. Affected: yes.
Comment: Not observed at significant frequency in large population cohorts (gnomAD); In silico analysis supports that this missense variant has a deleterious effect on protein structure/function; Has not been previously published as pathogenic or benign to our knowledge; This variant is associated with the following publications: (PMID: 19006240, 18767143)

AiLife Diagnostics
Classification: Uncertain significance. Last evaluated: 2022-01-07. Review status: criteria provided, single submitter. Criteria: ACMG Guidelines, 2015. Collection method: clinical testing. Allele origin: germline. Affected: yes. Observed: 1 variant allele.

NM_001999.4(FBN2):c.2489C>G (p.Pro830Arg)

Gene: FBN2 (fibrillin 2; minus strand). Cytogenetic location: 5q23.3.
Variant type: single nucleotide variant.
Coding change: c.2489C>G on transcript NM_001999.4 (MANE Select); coding-DNA position 2489, C replaced by G.
Protein change: p.Pro830Arg; replaces proline 830 with arginine.
Molecular consequence: missense variant.
Genome position (GRCh38, 1-based): chr5:128,361,788, G>C on the plus strand (C>G on the coding strand, the complement: FBN2 is on the minus strand). VCF-style: chr5-128361788-G-C. GRCh37 (hg19) VCF-style: chr5-127697481-G-C.
Other names: c.2489C>G (NM_001999.3); short protein forms P830R.
Identifiers: ClinVar variation 1677786 (VCV001677786.2), dbSNP rs547769591, ClinGen allele CA360768047.